The following is an entry in ClinVar:

ClinVar aggregate classification (germline): Uncertain significance. Review status: criteria provided, multiple submitters, no conflicts (2 of 4 stars). 5 submissions from 5 submitters: Uncertain significance (4). 1 of the submissions does not count toward it. Last evaluated 2023-04-06.

Conditions:
Medulloblastoma (MDB). Also called: MEDULLOBLASTOMA PREDISPOSITION SYNDROME; Medulloblastoma, somatic. Identifiers: Orphanet 616, MedGen C0025149, MeSH D008527, MONDO:0007959, OMIM 155255, HP:0002885.
Familial dysautonomia. Also called: FD; HSAN III. Identifiers: Orphanet 1764, MedGen C0013364, MONDO:0009131, OMIM 223900. Disease mechanism: loss of function.

Allele frequency attached by ClinVar (database versions not stated): gnomAD exomes 0.00001 and 0.00002; ExAC 0.00002; gnomAD 0.00003; TOPMed 0.00004.
gnomAD v4.1: 24 of 1,613,926 alleles (0.0015%); highest among the groups gnomAD compares: Non-Finnish European, 0.0018%; no homozygotes.

Submissions (5):

Ambry Genetics
Classification: Uncertain significance. Last evaluated: 2023-04-06. Review status: criteria provided, single submitter. Criteria: Ambry Variant Classification Scheme 2023. Collection method: clinical testing. Allele origin: germline.

Labcorp Genetics (formerly Invitae), Labcorp
Classification: Uncertain significance. Last evaluated: 2022-07-10. Review status: criteria provided, single submitter. Criteria: Invitae Variant Classification Sherloc (09022015). Collection method: clinical testing. Allele origin: germline.
Comment: This sequence change replaces alanine, which is neutral and non-polar, with valine, which is neutral and non-polar, at codon 1005 of the ELP1 protein (p.Ala1005Val). This variant is present in population databases (rs55658431, gnomAD 0.005%). This variant has not been reported in the literature in individuals affected with ELP1-related conditions. ClinVar contains an entry for this variant (Variation ID: 246548). Algorithms developed to predict the effect of missense changes on protein structure and function (SIFT, PolyPhen-2, Align-GVGD) all suggest that this variant is likely to be disruptive. In summary, the available evidence is currently insufficient to determine the role of this variant in disease. Therefore, it has been classified as a Variant of Uncertain Significance.

Fulgent Genetics
Classification: Uncertain significance for Medulloblastoma; Familial dysautonomia. Last evaluated: 2022-03-24. Review status: criteria provided, single submitter. Criteria: ACMG Guidelines, 2015. Collection method: clinical testing. Allele origin: unknown.

GeneDx
Classification: Uncertain significance. Last evaluated: 2016-12-07. Review status: criteria provided, single submitter. Criteria: GeneDx Variant Classification (06012015). Collection method: clinical testing. Allele origin: germline. Affected: yes.
Comment: A variant of uncertain significance has been identified in the IKBKAP gene. The A1005V variant has not been published as a pathogenic variant, nor has it been reported as a benign variant to our knowledge. The A1005V variant is not observed at a significant frequency in large population cohorts (Lek et al., 2016; 1000 Genomes Consortium et al., 2015; Exome Variant Server). The A1005V variant is a conservative amino acid substitution, which is not likely to impact secondary protein structure as these residues share similar properties. This substitution occurs at a position where amino acids with similar properties to Alanine are tolerated across species. However, in silico analysis predicts this variant is probably damaging to the protein structure/function. Therefore, based on the currently available information, it is unclear whether this variant is a pathogenic variant or a rare benign variant.

Natera, Inc.
Classification: Uncertain significance for Hereditary sensory and autonomic neuropathy type III. Last evaluated: 2020-01-24. Review status: no assertion criteria provided. Collection method: clinical testing. Allele origin: germline. Not counted in ClinVar's aggregate classification.

NM_003640.5(ELP1):c.3014C>T (p.Ala1005Val)

Gene: ELP1 (elongator acetyltransferase complex subunit 1; minus strand). Cytogenetic location: 9q31.3.
Variant type: single nucleotide variant.
Coding change: c.3014C>T on transcript NM_003640.5 (MANE Select); coding-DNA position 3014, C replaced by T.
Protein change: p.Ala1005Val; replaces alanine 1005 with valine.
Molecular consequence: missense variant.
Genome position (GRCh38, 1-based): chr9:108,891,349, G>A on the plus strand (C>T on the coding strand, the complement: ELP1 is on the minus strand). VCF-style: chr9-108891349-G-A. GRCh37 (hg19) VCF-style: chr9-111653629-G-A.
Other names: c.3014C>T (LRG_251t1); c.2672C>T, p.Ala891Val (NM_001318360.2); c.1967C>T, p.Ala656Val (NM_001330749.2); short protein forms A1005V, A891V, A656V.
Identifiers: ClinVar variation 246548 (VCV000246548.9), dbSNP rs55658431, ClinGen allele CA5174462.
Genomic context (GRCh38, chr9:108,891,349, plus strand): 5'-CATGTCAGAAAGGCTGAGAGAGCTTTCTCGTGGGCACCGCAACGGGCAAACATGAGCCCC[G>A]CTGGCTCATACATGTGCTCCTGCATCAGGTGCTCCCCATAAGCAATGCTGATATCCTGTG-3'
Protein context (NP_003631.2, residues 995-1015): HLMQEHMYEP[Ala1005Val]GLMFARCGAH